The following is an entry in ClinVar:

ClinVar aggregate classification (germline): Pathogenic (1 of 4 stars; one submission).

Conditions:
Polyglandular autoimmune syndrome, type 1 (APS1). Also called: Autoimmune polyendocrinopathy syndrome , type I, with or without reversible metaphyseal dysplasia; Autoimmune polyendocrine syndrome type 1; Autoimmune polyendocrinopathy syndrome, type I; PGA I; Whitaker syndrome; AUTOIMMUNE POLYENDOCRINE SYNDROME, TYPE I, WITH OR WITHOUT REVERSIBLE METAPHYSEAL DYSPLASIA. Identifiers: Orphanet 3453, MedGen C0085859, MONDO:0009411, OMIM 240300.

Submission:

Labcorp Genetics (formerly Invitae), Labcorp
Classification: Pathogenic for Polyglandular autoimmune syndrome, type 1. Last evaluated: 2020-10-22. Review status: criteria provided, single submitter. Criteria: Invitae Variant Classification Sherloc (09022015). Collection method: clinical testing. Allele origin: germline.
Comment: For these reasons, this variant has been classified as Pathogenic. Loss-of-function variants in AIRE are known to be pathogenic (PMID: 11524731, 26141571). A similar copy number variant has been observed in individual(s) with autosomal recessive autoimmune polyendocrinopathy-candidiasis-ectodermal dystrophy (PMID: 27588307). This variant is a gross deletion of the genomic region encompassing exon(s) 1-4 of the AIRE gene, which includes the initiator codon. The 5' end of this event is unknown as it extends beyond the assayed region for this gene and therefore may encompass additional genes. The 3' boundary is likely confined to intron 4 of the AIRE gene. This is expected to result in an absent or disrupted protein product.

Literature cited by the submitters: PubMed 11524731; PubMed 26141571; PubMed 27588307.

NC_000021.8:g.(?_45705870)_(45707494_?)del

Gene: AIRE (autoimmune regulator; plus strand). Cytogenetic location: 21q22.3.
Variant type: Deletion.
Identifiers: ClinVar variation 1071371 (VCV001071371.7).